The following is an entry in ClinVar:

NM_015404.4(WHRN):c.1943C>T (p.Ser648Phe)

Gene: WHRN (whirlin; minus strand). Cytogenetic location: 9q32.
Variant type: single nucleotide variant.
Coding change: c.1943C>T on transcript NM_015404.4 (MANE Select); coding-DNA position 1943, C replaced by T.
Protein change: p.Ser648Phe; replaces serine 648 with phenylalanine.
Molecular consequence: missense variant.
Genome position (GRCh38, 1-based): chr9:114,406,648, G>A on the plus strand (C>T on the coding strand, the complement: WHRN is on the minus strand). VCF-style: chr9-114406648-G-A. GRCh37 (hg19) VCF-style: chr9-117168928-G-A.
Other names: c.794C>T, p.Ser265Phe (NM_001083885.3); c.1943C>T, p.Ser648Phe (NM_001173425.2); c.890C>T, p.Ser297Phe (NM_001346890.1); short protein forms S297F, S265F, S648F.
Identifiers: ClinVar variation 4766971 (VCV004766971.1).

ClinVar aggregate classification (germline): Uncertain significance (1 of 4 stars; one submission).

gnomAD v4.1: 3 of 1,613,252 alleles (0.00019%); highest among the groups gnomAD compares: South Asian, 0.0033%; no homozygotes.

Submission:

Labcorp Genetics (formerly Invitae), Labcorp
Classification: Uncertain significance. Last evaluated: 2025-12-12. Review status: criteria provided, single submitter. Criteria: Invitae Variant Classification Sherloc (09022015). Collection method: clinical testing. Allele origin: germline.
Comment: This sequence change replaces serine, which is neutral and polar, with phenylalanine, which is neutral and non-polar, at codon 648 of the WHRN protein (p.Ser648Phe). This variant is present in population databases (rs142653982, gnomAD 0.003%). This variant has not been reported in the literature in individuals affected with WHRN-related conditions. An algorithm developed to predict the effect of missense changes on protein structure and function (PolyPhen-2) suggests that this variant is likely to be disruptive. In summary, the available evidence is currently insufficient to determine the role of this variant in disease. Therefore, it has been classified as a Variant of Uncertain Significance.